The following is an entry in ClinVar:

NM_198994.3(TGM6):c.31T>G (p.Trp11Gly)

Gene: TGM6 (transglutaminase 6; plus strand). Cytogenetic location: 20p13.
Variant type: single nucleotide variant.
Coding change: c.31T>G on transcript NM_198994.3 (MANE Select); coding-DNA position 31, T replaced by G.
Protein change: p.Trp11Gly; replaces tryptophan 11 with glycine.
Molecular consequence: missense variant.
Genome position (GRCh38, 1-based): chr20:2,394,475, T>G. VCF-style: chr20-2394475-T-G. GRCh37 (hg19) VCF-style: chr20-2375121-T-G.
Other names: c.31T>G, p.Trp11Gly (NM_001254734.2); short protein forms W11G.
Identifiers: ClinVar variation 781748 (VCV000781748.33), dbSNP rs141178275, ClinGen allele CA9731519.
Genomic context (GRCh38, chr20:2,394,475, plus strand): 5'-GGCCGTGGCCTCATCTCCCTGTCCTCTCCCCACCCAGGGATCAGAGTCACCAAGGTGGAC[T>G]GGCAGCGGTCGAGGAATGGCGCTGCCCACCACACCCAGGAGTACCCCTGCCCTGAGCTGG-3'
Protein context (NP_945345.2, residues 1-21): MAGIRVTKVD[Trp11Gly]QRSRNGAAHH

ClinVar aggregate classification (germline): Benign/Likely benign. Review status: criteria provided, multiple submitters, no conflicts (2 of 4 stars). 3 submissions from 3 submitters: Benign (2); Likely benign (1). Last evaluated 2024-01-01.

Conditions:
Spinocerebellar ataxia type 35. Identifiers: Orphanet 276193, MedGen C3888031, MONDO:0013485, OMIM 613908.

Allele frequency attached by ClinVar (database versions not stated): TOPMed 0.00017; gnomAD 0.00018 and 0.00016; ESP Exome Variant Server 0.00023; ExAC 0.00026; gnomAD exomes 0.00029.
gnomAD v4.1: 216 of 1,611,510 alleles (0.013%); highest among the groups gnomAD compares: Non-Finnish European, 0.0023%; no homozygotes.

Submissions (3):

CeGaT Center for Human Genetics Tuebingen
Classification: Likely benign. Last evaluated: 2024-01-01. Review status: criteria provided, single submitter. Criteria: CeGaT Center For Human Genetics Tuebingen Variant Classification Criteria Version 2. Collection method: clinical testing. Allele origin: germline. Affected: yes. Observed: 1 variant allele.
Comment: TGM6: BS2

Labcorp Genetics (formerly Invitae), Labcorp
Classification: Benign. Last evaluated: 2023-04-15. Review status: criteria provided, single submitter. Criteria: Invitae Variant Classification Sherloc (09022015). Collection method: clinical testing. Allele origin: germline.

Illumina Laboratory Services, Illumina
Classification: Benign for Spinocerebellar ataxia type 35. Last evaluated: 2017-04-27. Review status: criteria provided, single submitter. Criteria: ICSL Variant Classification Criteria 13 December 2019. Collection method: clinical testing. Allele origin: germline.
Comment: This variant was observed as part of a predisposition screen in an ostensibly healthy population. A literature search was performed for the gene, cDNA change, and amino acid change (where applicable). No publications were found based on this search. Allele frequency data from public databases was too high to be consistent with this variant causing disease. Therefore, this variant is classified as benign.